The following is an entry in ClinVar:

NC_000007.13:g.(?_150066801)_(150759750_?)del

Genes: ABCB8 (ATP binding cassette subfamily B member 8; plus strand), AOC1 (amine oxidase copper containing 1; plus strand), ASIC3 (acid sensing ion channel subunit 3; plus strand), ATG9B (autophagy related 9B; minus strand), CDK5 (cyclin dependent kinase 5; minus strand) and 14 more. Cytogenetic location: 7q36.1.
Variant type: Deletion.
Identifiers: ClinVar variation 830893 (VCV000830893.1).

ClinVar aggregate classification (germline): Pathogenic (1 of 4 stars; one submission).

Conditions:
Long QT syndrome (LQTS). Identifiers: MedGen C0023976, MeSH D008133, MONDO:0002442. Disease mechanism: loss of function. Inheritance: Various modes of inheritance.

Submission:

Labcorp Genetics (formerly Invitae), Labcorp
Classification: Pathogenic for Long QT syndrome. Last evaluated: 2019-12-03. Review status: criteria provided, single submitter. Criteria: Invitae Variant Classification Sherloc (09022015). Collection method: clinical testing. Allele origin: germline.
Comment: A gross deletion of the genomic region encompassing the full coding sequence of the KCNH2 gene has been identified. The boundaries of this event are unknown as the deletion extends beyond the assayed region for this gene and therefore may encompass additional genes. This variant has not been reported in the literature in individuals with KCNH2-related conditions. Larger deletions of the 7q36.1,7q34 and 7q26.2 which encompass KCNH2, among other genes, have been reported in individuals affected with a range of symptoms including: seizures, long QT, prenatal growth retardation, intellectual disability and renal hyploplasia (PMID: 18348270, 16470702, 25606385, 19443486). Loss-of-function variants in KCNH2 are known to be pathogenic (PMID: 10973849, 19862833). For these reasons, this variant has been classified as Pathogenic.

Literature cited by the submitters: PubMed 25606385; PubMed 19443486; PubMed 16470702; PubMed 18348270.